The following is an entry in ClinVar:

NM_000083.3(CLCN1):c.812G>C (p.Cys271Ser)

Gene: CLCN1 (chloride voltage-gated channel 1; plus strand). Cytogenetic location: 7q34.
Variant type: single nucleotide variant.
Coding change: c.812G>C on transcript NM_000083.3 (MANE Select); coding-DNA position 812, G replaced by C.
Protein change: p.Cys271Ser; replaces cysteine 271 with serine.
Molecular consequence: missense variant. On other transcripts: non-coding transcript variant (1).
Genome position (GRCh38, 1-based): chr7:143,324,451, G>C. VCF-style: chr7-143324451-G-C. GRCh37 (hg19) VCF-style: chr7-143021544-G-C.
Other names: short protein forms C271S.
Identifiers: ClinVar variation 3748653 (VCV003748653.2).

ClinVar aggregate classification (germline): Uncertain significance (1 of 4 stars; one submission).

Conditions:
Congenital myotonia, autosomal dominant form (THD). Also called: THOMSEN DISEASE; Myotonia congenita autosomal dominant. Identifiers: Orphanet 614, MedGen C2936781, MONDO:0008055, OMIM 160800.
Congenital myotonia, autosomal recessive form. Also called: Becker Generalized Myotonia; myotonia congenita, autosomal recessive; BECKER DISEASE. Identifiers: Orphanet 614, MedGen C0751360, MONDO:0009715, OMIM 255700.

gnomAD v4.1: 5 of 1,613,986 alleles (0.00031%); highest among the groups gnomAD compares: Non-Finnish European, 0.00042%; no homozygotes.

Submission:

Labcorp Genetics (formerly Invitae), Labcorp
Classification: Uncertain significance for Congenital myotonia, autosomal recessive form; Congenital myotonia, autosomal dominant form. Last evaluated: 2024-05-25. Review status: criteria provided, single submitter. Criteria: Invitae Variant Classification Sherloc (09022015). Collection method: clinical testing. Allele origin: germline.
Comment: This sequence change replaces cysteine, which is neutral and slightly polar, with serine, which is neutral and polar, at codon 271 of the CLCN1 protein (p.Cys271Ser). This variant is not present in population databases (gnomAD no frequency). This variant has not been reported in the literature in individuals affected with CLCN1-related conditions. Advanced modeling of protein sequence and biophysical properties (such as structural, functional, and spatial information, amino acid conservation, physicochemical variation, residue mobility, and thermodynamic stability) performed at Invitae indicates that this missense variant is expected to disrupt CLCN1 protein function with a positive predictive value of 80%. This variant disrupts the p.Cys271 amino acid residue in CLCN1. Other variant(s) that disrupt this residue have been determined to be pathogenic (PMID: 17932099, 27927941, 34529042). This suggests that this residue is clinically significant, and that variants that disrupt this residue are likely to be disease-causing. In summary, the available evidence is currently insufficient to determine the role of this variant in disease. Therefore, it has been classified as a Variant of Uncertain Significance.

Literature cited by the submitters: PubMed 17932099; PubMed 27927941; PubMed 34529042.